The following is an entry in ClinVar:

ClinVar aggregate classification (germline): Pathogenic. Review status: criteria provided, multiple submitters, no conflicts (2 of 4 stars). 3 submissions from 3 submitters: Pathogenic (3). Last evaluated 2023-05-30.

Conditions:
COL2A1-related disorder. Also called: COL2A1-related condition; COL2A1-related disorders.
Stickler syndrome type 1 (STL1). Also called: ARTHROOPHTHALMOPATHY, HEREDITARY PROGRESSIVE; COL2A1-Related Stickler Syndrome; STICKLER SYNDROME, MEMBRANOUS VITREOUS TYPE; STICKLER SYNDROME, VITREOUS TYPE 1. Identifiers: Orphanet 828, Orphanet 90653, MedGen C2020284, MONDO:0007160, OMIM 108300.

Submissions (3):

PreventionGenetics, part of Exact Sciences
Classification: Pathogenic for COL2A1-related condition. Last evaluated: 2023-05-30. Review status: criteria provided, single submitter. Criteria: ACMG Guidelines, 2015. Collection method: clinical testing. Allele origin: germline.
Comment: The COL2A1 c.655G>A variant is predicted to result in the amino acid substitution p.Gly219Arg. The p.Gly219Arg variant was reported in an individual with hearing loss, myopia and dysmorphism and another individual with Stickler syndrome (Table 3, Downie et al 2020. PubMed ID: 31827275; Table 1, Hoornaert. 2010. PubMed ID: 20179744 ). A different variant affecting the same amino acid (p.Gly219Glu) was reported to be pathogenic for Stickler syndrome (Table S1, Barat-Houari. 2016. PubMed ID: 26443184). The p.Gly219 amino acid is located in the conserved Gly-Xaa-Yaa triple helical domain where substitutions of a glycine are usually pathogenic (Barat-Houari et al. 2016. PubMed ID: 26626311; Markova et al. 2022. PubMed ID: 35052477). This variant has not been reported in a large population database, indicating this variant is rare. This variant is interpreted as pathogenic.

GeneDx
Classification: Pathogenic. Last evaluated: 2020-01-14. Review status: criteria provided, single submitter. Criteria: GeneDx Variant Classification Process June 2021. Collection method: clinical testing. Allele origin: germline. Affected: yes.
Comment: Occurs in the triple helical domain and replaces the glycine in the canonical Gly-X-Y repeat; missense substitution of a canonical glycine residue is expected to disrupt normal protein folding and function, and this is an established mechanism of disease (Stenson et al., 2014); In silico analysis, which includes protein predictors and evolutionary conservation, supports a deleterious effect; Not observed in large population cohorts (Lek et al., 2016); Has not been previously published as pathogenic or benign to our knowledge; This variant is associated with the following publications: (PMID: 31827275)

Victorian Clinical Genetics Services, Murdoch Childrens Research Institute
Classification: Pathogenic for Stickler syndrome type 1. Last evaluated: 2018-08-06. Review status: criteria provided, single submitter. Criteria: ACMG Guidelines, 2015. Collection method: clinical testing. Allele origin: unknown. Affected: yes.
Comment: A heterozygous missense variant, NM_001844.4(COL2A1):c.655G>A, has been identified in exon 10 of 54 of the COL2A1 gene. The variant is predicted to result in a major amino acid change from glycine to arginine at position 219 of the protein (NP_001835.3(COL2A1):p.(Gly219Arg)). The glycine residue at this position has very high conservation (100 vertebrates, UCSC), and is located within the triple-helical region. In silico predictions for this variant are consistently pathogenic (Polyphen, SIFT, CADD, Mutation Taster). The variant is absent in population databases (gnomAD, dbSNP, 1000G). The variant has been previously described as pathogenic in several patients with Stickler syndrome (Hoornaert K. et al. (2010), ClinVar). Based on the information available at the time of curation, this variant has been classified as PATHOGENIC.

NM_001844.5(COL2A1):c.655G>A (p.Gly219Arg)

Gene: COL2A1 (collagen type II alpha 1 chain; minus strand). Cytogenetic location: 12q13.11.
Variant type: single nucleotide variant.
Coding change: c.655G>A on transcript NM_001844.5 (MANE Select); coding-DNA position 655, G replaced by A.
Protein change: p.Gly219Arg; replaces glycine 219 with arginine.
Molecular consequence: missense variant.
Genome position (GRCh38, 1-based): chr12:47,995,763, C>T on the plus strand (G>A on the coding strand, the complement: COL2A1 is on the minus strand). VCF-style: chr12-47995763-C-T. GRCh37 (hg19) VCF-style: chr12-48389546-C-T.
Other names: c.448G>A, p.Gly150Arg (NM_033150.3); short protein forms G219R, G150R.
Identifiers: ClinVar variation 430186 (VCV000430186.6), dbSNP rs1131691822, ClinGen allele CA384523805.
Genomic context (GRCh38, chr12:47,995,763, plus strand): 5'-TACTCACAGAGACACCAGGTTCACCAGGTTCACCAGGATTGCCTTGAAATCCTTGAGGCC[C>T]CTAAAAAGTAAAATGAGGATACCAGGTCAATCCCTATAAACTGCTAAAACATCATAGTGC-3'
Protein context (NP_001835.3, residues 209-229): RGPPGPAGAP[Gly219Arg]PQGFQGNPGE